The following is an entry in ClinVar:

NM_000428.3(LTBP2):c.4799G>A (p.Arg1600His)

Gene: LTBP2 (latent transforming growth factor beta binding protein 2; minus strand). Cytogenetic location: 14q24.3.
Variant type: single nucleotide variant.
Coding change: c.4799G>A on transcript NM_000428.3 (MANE Select); coding-DNA position 4799, G replaced by A.
Protein change: p.Arg1600His; replaces arginine 1600 with histidine.
Molecular consequence: missense variant.
Genome position (GRCh38, 1-based): chr14:74,503,308, C>T on the plus strand (G>A on the coding strand, the complement: LTBP2 is on the minus strand). VCF-style: chr14-74503308-C-T. GRCh37 (hg19) VCF-style: chr14-74970011-C-T.
Other names: c.4799G>A (NM_000428.2); short protein forms R1600H.
Identifiers: ClinVar variation 1446675 (VCV001446675.5), dbSNP rs375314974, ClinGen allele CA7268629.

ClinVar aggregate classification (germline): Conflicting classifications of pathogenicity. Review status: criteria provided, conflicting classifications (1 of 4 stars). 2 submissions from 2 submitters: Uncertain significance (1); Likely benign (1). Last evaluated 2025-01-09.

Conditions:
Inborn genetic diseases. Identifiers: MedGen C0950123, MeSH D030342.

Allele frequency attached by ClinVar (database versions not stated): ExAC 0.00003; gnomAD exomes 0.00004 and 0.00006; ESP Exome Variant Server 0.00008; gnomAD 0.00009 and 0.00010; TOPMed 0.00009.
gnomAD v4.1: 68 of 1,613,878 alleles (0.0042%); highest among the groups gnomAD compares: African/African-American, 0.021%; no homozygotes.

Submissions (2):

Ambry Genetics
Classification: Likely benign for Inborn genetic diseases. Last evaluated: 2025-01-09. Review status: criteria provided, single submitter. Criteria: Ambry Variant Classification Scheme 2023. Collection method: clinical testing. Allele origin: germline.

Labcorp Genetics (formerly Invitae), Labcorp
Classification: Uncertain significance. Last evaluated: 2022-08-15. Review status: criteria provided, single submitter. Criteria: Invitae Variant Classification Sherloc (09022015). Collection method: clinical testing. Allele origin: germline.
Comment: This sequence change replaces arginine, which is basic and polar, with histidine, which is basic and polar, at codon 1600 of the LTBP2 protein (p.Arg1600His). This variant is present in population databases (rs375314974, gnomAD 0.03%). This variant has not been reported in the literature in individuals affected with LTBP2-related conditions. ClinVar contains an entry for this variant (Variation ID: 1446675). Algorithms developed to predict the effect of missense changes on protein structure and function output the following: SIFT: "Tolerated"; PolyPhen-2: "Benign"; Align-GVGD: "Class C0". The histidine amino acid residue is found in multiple mammalian species, which suggests that this missense change does not adversely affect protein function. In summary, the available evidence is currently insufficient to determine the role of this variant in disease. Therefore, it has been classified as a Variant of Uncertain Significance.